The following is an entry in ClinVar:

ClinVar aggregate classification (germline): Uncertain significance. Review status: criteria provided, multiple submitters, no conflicts (2 of 4 stars). 3 submissions from 3 submitters: Uncertain significance (3). Last evaluated 2025-10-15.

Conditions:
RYR1-related disorder. Also called: RYR1-related condition; RYR1-related disorders. Identifiers: MedGen CN239331.
Inborn genetic diseases. Identifiers: MedGen C0950123, MeSH D030342.

Allele frequency attached by ClinVar (database versions not stated): gnomAD exomes below 0.00001; ExAC 0.00001.
gnomAD v4.1: 3 of 1,614,098 alleles (0.00019%); highest among the groups gnomAD compares: Non-Finnish European, 0.00025%; no homozygotes.

Submissions (3):

Ambry Genetics
Classification: Uncertain significance for Inborn genetic diseases. Last evaluated: 2025-10-15. Review status: criteria provided, single submitter. Criteria: Ambry Variant Classification Scheme 2023. Collection method: clinical testing. Allele origin: germline.

GeneDx
Classification: Uncertain significance. Last evaluated: 2025-05-01. Review status: criteria provided, single submitter. Criteria: GeneDx Variant Classification Process June 2021. Collection method: clinical testing. Allele origin: germline. Affected: yes.
Comment: Not observed at significant frequency in large population cohorts (gnomAD); In silico analysis supports that this missense variant has a deleterious effect on protein structure/function; Has not been previously published as pathogenic or benign to our knowledge

Labcorp Genetics (formerly Invitae), Labcorp
Classification: Uncertain significance for RYR1-related disorder. Last evaluated: 2022-07-05. Review status: criteria provided, single submitter. Criteria: Invitae Variant Classification Sherloc (09022015). Collection method: clinical testing. Allele origin: germline.
Comment: Algorithms developed to predict the effect of sequence changes on RNA splicing suggest that this variant may create or strengthen a splice site. Advanced modeling of protein sequence and biophysical properties (such as structural, functional, and spatial information, amino acid conservation, physicochemical variation, residue mobility, and thermodynamic stability) performed at Invitae indicates that this missense variant is expected to disrupt RYR1 protein function. ClinVar contains an entry for this variant (Variation ID: 1448966). This variant has not been reported in the literature in individuals affected with RYR1-related conditions. This variant is present in population databases (rs759055097, gnomAD 0.004%). This sequence change replaces alanine, which is neutral and non-polar, with valine, which is neutral and non-polar, at codon 2500 of the RYR1 protein (p.Ala2500Val). In summary, the available evidence is currently insufficient to determine the role of this variant in disease. Therefore, it has been classified as a Variant of Uncertain Significance.

NM_000540.3(RYR1):c.7499C>T (p.Ala2500Val)

Gene: RYR1 (ryanodine receptor 1; plus strand). Cytogenetic location: 19q13.2.
Variant type: single nucleotide variant.
Coding change: c.7499C>T on transcript NM_000540.3 (MANE Select); coding-DNA position 7499, C replaced by T.
Protein change: p.Ala2500Val; replaces alanine 2500 with valine.
Molecular consequence: missense variant.
Genome position (GRCh38, 1-based): chr19:38,500,875, C>T. VCF-style: chr19-38500875-C-T. GRCh37 (hg19) VCF-style: chr19-38991515-C-T.
Other names: c.7499C>T, p.Ala2500Val (NM_001042723.2); c.7499C>T (NM_000540.2); short protein forms A2500V.
Identifiers: ClinVar variation 1448966 (VCV001448966.8), dbSNP rs759055097, ClinGen allele CA069734.